The following is an entry in ClinVar:

ClinVar aggregate classification (germline): Uncertain significance (1 of 4 stars; one submission).

Conditions:
Developmental and epileptic encephalopathy, 33 (DEE33). Also called: Epileptic encephalopathy, early infantile, 33. Identifiers: Orphanet 442835, MedGen C4225337, MONDO:0014625, OMIM 616409.

Submission:

Labcorp Genetics (formerly Invitae), Labcorp
Classification: Uncertain significance for Developmental and epileptic encephalopathy, 33. Last evaluated: 2022-06-13. Review status: criteria provided, single submitter. Criteria: Invitae Variant Classification Sherloc (09022015). Collection method: clinical testing. Allele origin: germline.
Comment: This variant has not been reported in the literature in individuals affected with EEF1A2-related conditions. In summary, the available evidence is currently insufficient to determine the role of this variant in disease. Therefore, it has been classified as a Variant of Uncertain Significance. Advanced modeling of protein sequence and biophysical properties (such as structural, functional, and spatial information, amino acid conservation, physicochemical variation, residue mobility, and thermodynamic stability) performed at Invitae indicates that this missense variant is expected to disrupt EEF1A2 protein function. This variant is not present in population databases (gnomAD no frequency). This sequence change replaces isoleucine, which is neutral and non-polar, with phenylalanine, which is neutral and non-polar, at codon 39 of the EEF1A2 protein (p.Ile39Phe).

NM_001958.5(EEF1A2):c.115A>T (p.Ile39Phe)

Gene: EEF1A2 (eukaryotic translation elongation factor 1 alpha 2; minus strand). Cytogenetic location: 20q13.33.
Variant type: single nucleotide variant.
Coding change: c.115A>T on transcript NM_001958.5 (MANE Select); coding-DNA position 115, A replaced by T.
Protein change: p.Ile39Phe; replaces isoleucine 39 with phenylalanine.
Molecular consequence: missense variant.
Genome position (GRCh38, 1-based): chr20:63,497,649, T>A on the plus strand (A>T on the coding strand, the complement: EEF1A2 is on the minus strand). VCF-style: chr20-63497649-T-A. GRCh37 (hg19) VCF-style: chr20-62129002-T-A.
Other names: short protein forms I39F.
Identifiers: ClinVar variation 2005935 (VCV002005935.4), dbSNP rs2516786874, ClinGen allele CA409651740.